The following is an entry in ClinVar:

ClinVar aggregate classification (germline): Uncertain significance. Review status: criteria provided, multiple submitters, no conflicts (2 of 4 stars). 3 submissions from 3 submitters: Uncertain significance (3). Last evaluated 2025-12-15.

Conditions:
Inborn genetic diseases. Identifiers: MedGen C0950123, MeSH D030342.

Allele frequency attached by ClinVar (database versions not stated): gnomAD 0.00009; ExAC 0.00009; TOPMed 0.00011.
gnomAD v4.1: 361 of 1,571,844 alleles (0.023%); highest among the groups gnomAD compares: Non-Finnish European, 0.027%; no homozygotes.

Submissions (3):

Labcorp Genetics (formerly Invitae), Labcorp
Classification: Uncertain significance. Last evaluated: 2025-12-15. Review status: criteria provided, single submitter. Criteria: Invitae Variant Classification Sherloc (09022015). Collection method: clinical testing. Allele origin: germline.
Comment: This sequence change replaces proline, which is neutral and non-polar, with arginine, which is basic and polar, at codon 30 of the ANXA11 protein (p.Pro30Arg). This variant is present in population databases (rs758548370, gnomAD 0.02%). This variant has not been reported in the literature in individuals affected with ANXA11-related conditions. ClinVar contains an entry for this variant (Variation ID: 2371139). Experimental studies and prediction algorithms are not available or were not evaluated, and the functional significance of this variant is currently unknown. In summary, the available evidence is currently insufficient to determine the role of this variant in disease. Therefore, it has been classified as a Variant of Uncertain Significance.

Ambry Genetics
Classification: Uncertain significance for Inborn genetic diseases. Last evaluated: 2025-08-14. Review status: criteria provided, single submitter. Criteria: Ambry Variant Classification Scheme 2023. Collection method: clinical testing. Allele origin: germline.

Mayo Clinic Laboratories, Mayo Clinic
Classification: Uncertain significance. Last evaluated: 2025-01-30. Review status: criteria provided, single submitter. Criteria: ACMG Guidelines, 2015. Collection method: clinical testing. Allele origin: germline. Observed: 1 variant allele.
Comment: BP4

NM_145868.2(ANXA11):c.89C>G (p.Pro30Arg)

Gene: ANXA11 (annexin A11; minus strand). Cytogenetic location: 10q22.3.
Variant type: single nucleotide variant.
Coding change: c.89C>G on transcript NM_145868.2 (MANE Select); coding-DNA position 89, C replaced by G.
Protein change: p.Pro30Arg; replaces proline 30 with arginine.
Molecular consequence: missense variant. On other transcripts: 5 prime UTR variant (1).
Genome position (GRCh38, 1-based): chr10:80,170,882, G>C on the plus strand (C>G on the coding strand, the complement: ANXA11 is on the minus strand). VCF-style: chr10-80170882-G-C. GRCh37 (hg19) VCF-style: chr10-81930638-G-C.
Other names: p.Pro30Arg; c.89C>G, p.Pro30Arg (NM_001157.3, NM_001278407.2, NM_001278408.2 and 1 more transcripts); c.-11C>G (NM_001278409.2); short protein forms P30R.
Identifiers: ClinVar variation 2371139 (VCV002371139.7), dbSNP rs758548370, ClinGen allele CA5576397.